The following is an entry in ClinVar:

NM_002230.4(JUP):c.926A>T (p.Asn309Ile)

Gene: JUP (junction plakoglobin; minus strand). Cytogenetic location: 17q21.2.
Variant type: single nucleotide variant.
Coding change: c.926A>T on transcript NM_002230.4 (MANE Select); coding-DNA position 926, A replaced by T.
Protein change: p.Asn309Ile; replaces asparagine 309 with isoleucine.
Molecular consequence: missense variant.
Genome position (GRCh38, 1-based): chr17:41,765,051, T>A on the plus strand (A>T on the coding strand, the complement: JUP is on the minus strand). VCF-style: chr17-41765051-T-A. GRCh37 (hg19) VCF-style: chr17-39921303-T-A.
Other names: c.926A>T, p.Asn309Ile (NM_001352773.2, NM_001352774.2, NM_001352775.2 and 3 more transcripts); short protein forms N309I.
Identifiers: ClinVar variation 649802 (VCV000649802.4), dbSNP rs140606359, ClinGen allele CA8565339.

ClinVar aggregate classification (germline): Uncertain significance. Review status: criteria provided, multiple submitters, no conflicts (2 of 4 stars). 2 submissions from 2 submitters: Uncertain significance (2). Last evaluated 2024-06-15.

Conditions:
Naxos disease (NXD). Also called: KERATOSIS PALMOPLANTARIS WITH ARRHYTHMOGENIC CARDIOMYOPATHY; MAL DE NAXOS; CARDIOMYOPATHY, ARRHYTHMOGENIC RIGHT VENTRICULAR, WITH SKIN, HAIR, AND NAIL ABNORMALITIES; PALMOPLANTAR KERATODERMA WITH ARRHYTHMOGENIC RIGHT VENTRICULAR CARDIOMYOPATHY AND WOOLLY HAIR; WOOLLY HAIR, PALMOPLANTAR KERATODERMA, AND CARDIAC ABNORMALITIES. Identifiers: Orphanet 34217, MedGen C1832600, MONDO:0011017, OMIM 601214.
Arrhythmogenic right ventricular dysplasia 12. Also called: ARRHYTHMOGENIC RIGHT VENTRICULAR DYSPLASIA, FAMILIAL, 12. Identifiers: MedGen C1969081, MONDO:0012684, OMIM 611528.

gnomAD v4.1: 36 of 1,613,958 alleles (0.0022%); highest among the groups gnomAD compares: South Asian, 0.038%; no homozygotes.

Submissions (2):

Labcorp Genetics (formerly Invitae), Labcorp
Classification: Uncertain significance for Arrhythmogenic right ventricular dysplasia 12; Naxos disease. Last evaluated: 2024-06-15. Review status: criteria provided, single submitter. Criteria: Invitae Variant Classification Sherloc (09022015). Collection method: clinical testing. Allele origin: germline.
Comment: This sequence change replaces asparagine, which is neutral and polar, with isoleucine, which is neutral and non-polar, at codon 309 of the JUP protein (p.Asn309Ile). This variant is present in population databases (rs140606359, gnomAD 0.03%). This variant has not been reported in the literature in individuals affected with JUP-related conditions. ClinVar contains an entry for this variant (Variation ID: 649802). An algorithm developed to predict the effect of missense changes on protein structure and function (PolyPhen-2) suggests that this variant is likely to be disruptive. In summary, the available evidence is currently insufficient to determine the role of this variant in disease. Therefore, it has been classified as a Variant of Uncertain Significance.

Blueprint Genetics
Classification: Uncertain significance. Last evaluated: 2021-09-08. Review status: criteria provided, single submitter. Criteria: ACMG Guidelines, 2015. Collection method: clinical testing. Allele origin: germline.